The following is an entry in ClinVar:

ClinVar aggregate classification (germline): Uncertain significance (1 of 4 stars; one submission).

Conditions:
Tuberous sclerosis 1 (TSC1). Identifiers: Orphanet 805, MedGen C1854465, MONDO:0008612, OMIM 191100.

Submission:

Labcorp Genetics (formerly Invitae), Labcorp
Classification: Uncertain significance for Tuberous sclerosis 1. Last evaluated: 2021-08-11. Review status: criteria provided, single submitter. Criteria: Invitae Variant Classification Sherloc (09022015). Collection method: clinical testing. Allele origin: germline.
Comment: A copy number gain of the genomic region encompassing the full coding sequence of the TSC1 gene has been identified. The boundaries of this event are unknown as they extend beyond the assayed region for this gene and therefore may encompass additional genes. As the precise location of this event is unknown, it may be in tandem or it may be located elsewhere in the genome. This variant has not been reported in the literature in individuals affected with TSC1-related conditions. Experimental studies and prediction algorithms are not available or were not evaluated, and the functional significance of this variant is currently unknown. In summary, the available evidence is currently insufficient to determine the role of this variant in disease. Therefore, it has been classified as a Variant of Uncertain Significance.

NC_000009.11:g.(?_135771612)_(135820530_?)dup

Genes: TSC1 (TSC complex subunit 1; minus strand), LOC130002883 (ATAC-STARR-seq lymphoblastoid silent region 20438; plus strand), LOC130002884 (ATAC-STARR-seq lymphoblastoid silent region 20439; plus strand). Cytogenetic location: 9q34.13.
Variant type: Duplication.
Identifiers: ClinVar variation 583661 (VCV000583661.5).